The following is an entry in ClinVar:

NM_001378457.1(DMXL2):c.855G>C (p.Glu285Asp)

Gene: DMXL2 (Dmx like 2; minus strand). Cytogenetic location: 15q21.2.
Variant type: single nucleotide variant.
Coding change: c.855G>C on transcript NM_001378457.1 (MANE Select); coding-DNA position 855, G replaced by C.
Protein change: p.Glu285Asp; replaces glutamic acid 285 with aspartic acid.
Molecular consequence: missense variant. On other transcripts: non-coding transcript variant (2).
Genome position (GRCh38, 1-based): chr15:51,545,658, C>G on the plus strand (G>C on the coding strand, the complement: DMXL2 is on the minus strand). VCF-style: chr15-51545658-C-G. GRCh37 (hg19) VCF-style: chr15-51837855-C-G.
Other names: c.855G>C, p.Glu285Asp (NM_001174116.3, NM_001174117.3, NM_001378458.1 and 7 more transcripts); short protein forms E285D.
Identifiers: ClinVar variation 3907578 (VCV003907578.1).

ClinVar aggregate classification (germline): Uncertain significance (1 of 4 stars; one submission).

gnomAD v4.1: 1 of 1,613,568 alleles (0.000062%); highest among the groups gnomAD compares: South Asian, 0.0011%; no homozygotes.

Submission:

Women's Health and Genetics/Laboratory Corporation of America, LabCorp
Classification: Uncertain significance. Last evaluated: 2025-06-23. Review status: criteria provided, single submitter. Criteria: LabCorp Variant Classification Summary - May 2015. Collection method: clinical testing. Allele origin: germline.
Comment: Variant summary: DMXL2 c.855G>C (p.Glu285Asp) results in a conservative amino acid change in the encoded protein sequence. Algorithms developed to predict the effect of missense changes on protein structure and function are either unavailable or do not agree on the potential impact of this missense change. The variant was absent in 250722 control chromosomes. The available data on variant occurrences in the general population are insufficient to allow any conclusion about variant significance. To our knowledge, no occurrence of c.855G>C in individuals affected with DMXL2-Related Disorders and no experimental evidence demonstrating its impact on protein function have been reported. No submitters have cited clinical-significance assessments for this variant to ClinVar. Based on the evidence outlined above, the variant was classified as uncertain significance.